The following is an entry in ClinVar:

NM_001042681.2(RERE):c.2793G>A (p.Pro931=)

Gene: RERE (arginine-glutamic acid dipeptide repeats; minus strand). Cytogenetic location: 1p36.23.
Variant type: single nucleotide variant.
Coding change: c.2793G>A on transcript NM_001042681.2 (MANE Select); coding-DNA position 2793, G replaced by A.
Protein change: p.Pro931=; no amino-acid change (proline 931 retained).
Molecular consequence: synonymous variant.
Genome position (GRCh38, 1-based): chr1:8,360,714, C>T on the plus strand (G>A on the coding strand, the complement: RERE is on the minus strand). VCF-style: chr1-8360714-C-T. GRCh37 (hg19) VCF-style: chr1-8420774-C-T.
Other names: c.1131G>A, p.Pro377= (NM_001042682.2); c.2793G>A, p.Pro931= (NM_012102.4).
Identifiers: ClinVar variation 3054965 (VCV003054965.2), dbSNP rs764179485, ClinGen allele CA571306.

ClinVar aggregate classification (germline): Likely benign (0 of 4 stars; one submission).

Conditions:
RERE-related disorder. Also called: RERE-Related Disorders; RERE-related condition. Identifiers: MedGen CN381537.

Allele frequency attached by ClinVar (database versions not stated): gnomAD 0.00001; ExAC 0.00002.
gnomAD v4.1: 126 of 1,566,400 alleles (0.008%); highest among the groups gnomAD compares: Non-Finnish European, 0.01%; no homozygotes.

Submission:

PreventionGenetics, part of Exact Sciences
Classification: Likely benign for RERE-related condition. Last evaluated: 2021-01-19. Review status: no assertion criteria provided. Collection method: clinical testing. Allele origin: germline.
Comment: This variant is classified as likely benign based on ACMG/AMP sequence variant interpretation guidelines (Richards et al. 2015 PMID: 25741868, with internal and published modifications).